The following is an entry in ClinVar:

ClinVar aggregate classification (germline): Pathogenic. Review status: criteria provided, multiple submitters, no conflicts (2 of 4 stars). 2 submissions from 2 submitters: Pathogenic (2). Last evaluated 2025-02-05.

Conditions:
Hypertrophic cardiomyopathy. Also called: HYPERTROPHIC MYOCARDIOPATHY. Identifiers: Orphanet 217569, MedGen C0007194, MeSH D002312, MONDO:0005045, HP:0001639.
Cardiovascular phenotype. Identifiers: MedGen CN230736.

Submissions (2):

Labcorp Genetics (formerly Invitae), Labcorp
Classification: Pathogenic for Hypertrophic cardiomyopathy. Last evaluated: 2025-02-05. Review status: criteria provided, single submitter. Criteria: Invitae Variant Classification Sherloc (09022015). Collection method: clinical testing. Allele origin: germline.
Comment: This sequence change creates a premature translational stop signal (p.Gly341*) in the MYBPC3 gene. It is expected to result in an absent or disrupted protein product. Loss-of-function variants in MYBPC3 are known to be pathogenic (PMID: 19574547). This variant is not present in population databases (gnomAD no frequency). This premature translational stop signal has been observed in individual(s) with hypertrophic cardiomyopathy (PMID: 37652022). ClinVar contains an entry for this variant (Variation ID: 3297222). For these reasons, this variant has been classified as Pathogenic.

Ambry Genetics
Classification: Pathogenic for Cardiovascular phenotype. Last evaluated: 2024-05-08. Review status: criteria provided, single submitter. Criteria: Ambry Variant Classification Scheme 2023. Collection method: clinical testing. Allele origin: germline.
Comment: The c.1021_1028delGGCGTCAC pathogenic mutation, located in coding exon 12 of the MYBPC3 gene, results from a deletion of 8 nucleotides at nucleotide positions 1021 to 1028, causing a translational frameshift with a predicted alternate stop codon (p.G341*). This variant has been detected in hypertrophic cardiomyopathy cohorts (Walsh R et al. Genet Med, 2017 Feb;19:192-203; Pua CJ et al. Circ Genom Precis Med, 2020 Oct;13:424-434). This variant is considered to be rare based on population cohorts in the Genome Aggregation Database (gnomAD). This alteration is expected to result in loss of function by premature protein truncation or nonsense-mediated mRNA decay. As such, this alteration is interpreted as a disease-causing mutation.

Literature cited by the submitters: PubMed 19574547 (cited by Labcorp Genetics (formerly Invitae), Labcorp); PubMed 37652022 (cited by Labcorp Genetics (formerly Invitae), Labcorp); PubMed 27532257 (cited by Ambry Genetics); PubMed 32815737 (cited by Ambry Genetics).

NM_000256.3(MYBPC3):c.1021_1028del (p.Tyr340_Gly341insTer)

Gene: MYBPC3 (myosin binding protein C3; minus strand). Cytogenetic location: 11p11.2.
Variant type: Deletion.
Coding change: c.1021_1028del on transcript NM_000256.3 (MANE Select); coding-DNA positions 1021 to 1028, 8 bases deleted (GGCGTCAC; older notation c.1021_1028delGGCGTCAC).
Protein change: p.Tyr340_Gly341insTer.
Molecular consequence: nonsense.
Genome position (GRCh38, 1-based): chr11:47,346,269-47,346,276, GTGACGCC deleted on the plus strand (GGCGTCAC on the coding strand, the reverse complement: MYBPC3 is on the minus strand); deleting any 8 consecutive bases within chr11:47,346,269-47,346,278 gives the same sequence; the c. name uses the placement nearest the transcript's 3' end. VCF-style (leftmost placement, unchanged base first): chr11-47346268-AGTGACGCC-A. GRCh37 (hg19) VCF-style: chr11-47367819-AGTGACGCC-A.
Other names: c.1021_1028delGGCGTCAC (NM_000256.3).
Identifiers: ClinVar variation 3297222 (VCV003297222.3).